The following is an entry in ClinVar:

ClinVar aggregate classification (germline): Uncertain significance (1 of 4 stars; one submission).

Submission:

GeneDx
Classification: Uncertain significance. Last evaluated: 2019-05-02. Review status: criteria provided, single submitter. Criteria: GeneDx Variant Classification Process June 2021. Collection method: clinical testing. Allele origin: germline. Affected: yes.
Comment: Has not been previously published as pathogenic or benign to our knowledge; In silico analysis, which includes protein predictors and evolutionary conservation, supports that this variant does not alter protein structure/function; Not located in the triple helical region, where the majority of pathogenic missense variants occur (Stenson et al., 2014); Not observed in large population cohorts (Lek et al., 2016)

NM_000093.5(COL5A1):c.616G>T (p.Val206Leu)

Gene: COL5A1 (collagen type V alpha 1 chain; plus strand). Cytogenetic location: 9q34.3.
Variant type: single nucleotide variant.
Coding change: c.616G>T on transcript NM_000093.5 (MANE Select); coding-DNA position 616, G replaced by T.
Protein change: p.Val206Leu; replaces valine 206 with leucine.
Molecular consequence: missense variant.
Genome position (GRCh38, 1-based): chr9:134,701,295, G>T. VCF-style: chr9-134701295-G-T. GRCh37 (hg19) VCF-style: chr9-137593141-G-T.
Other names: c.616G>T, p.Val206Leu (NM_001278074.1); short protein forms V206L.
Identifiers: ClinVar variation 1318638 (VCV001318638.2), dbSNP rs777065347, ClinGen allele CA375443466.
Genomic context (GRCh38, chr9:134,701,295, plus strand): 5'-AAGACCACCAAATTCCTCGACCGCAGCGACCACCCCATGATCGACATCAATGGCATCATC[G>T]TGTTTGGCACCCGGATCCTGGATGAGGAGGTGTTTGAGGTGAGCAGGAGGGCAGACCAAC-3'
Protein context (NP_000084.3, residues 196-216): HPMIDINGII[Val206Leu]FGTRILDEEV